The following is an entry in ClinVar:

ClinVar aggregate classification (germline): Uncertain significance. Review status: criteria provided, multiple submitters, no conflicts (2 of 4 stars). 3 submissions from 3 submitters: Uncertain significance (3). Last evaluated 2025-04-30.

Conditions:
Inborn genetic diseases. Identifiers: MedGen C0950123, MeSH D030342.

Allele frequency attached by ClinVar (database versions not stated): gnomAD exomes 0.00003; ExAC 0.00001; gnomAD 0.00001; TOPMed 0.00001.
gnomAD v4.1: 40 of 1,613,864 alleles (0.0025%); highest among the groups gnomAD compares: Non-Finnish European, 0.0031%; no homozygotes.

Submissions (3):

GeneDx
Classification: Uncertain significance. Last evaluated: 2025-04-30. Review status: criteria provided, single submitter. Criteria: GeneDx Variant Classification Process June 2021. Collection method: clinical testing. Allele origin: germline.
Comment: Not observed at significant frequency in large population cohorts (gnomAD); In silico analysis indicates that this missense variant does not alter protein structure/function; Has not been previously published as pathogenic or benign to our knowledge

Ambry Genetics
Classification: Uncertain significance for Inborn genetic diseases. Last evaluated: 2024-06-05. Review status: criteria provided, single submitter. Criteria: Ambry Variant Classification Scheme 2023. Collection method: clinical testing. Allele origin: germline.

Labcorp Genetics (formerly Invitae), Labcorp
Classification: Uncertain significance. Last evaluated: 2022-01-06. Review status: criteria provided, single submitter. Criteria: Invitae Variant Classification Sherloc (09022015). Collection method: clinical testing. Allele origin: germline.
Comment: This sequence change replaces glycine, which is neutral and non-polar, with serine, which is neutral and polar, at codon 5604 of the ADGRV1 protein (p.Gly5604Ser). This variant is present in population databases (rs767259157, gnomAD 0.002%). This variant has not been reported in the literature in individuals affected with ADGRV1-related conditions. Algorithms developed to predict the effect of missense changes on protein structure and function (SIFT, PolyPhen-2, Align-GVGD) all suggest that this variant is likely to be disruptive. Algorithms developed to predict the effect of sequence changes on RNA splicing suggest that this variant may create or strengthen a splice site. In summary, the available evidence is currently insufficient to determine the role of this variant in disease. Therefore, it has been classified as a Variant of Uncertain Significance.

NM_032119.4(ADGRV1):c.16810G>A (p.Gly5604Ser)

Gene: ADGRV1 (adhesion G protein-coupled receptor V1; plus strand). Cytogenetic location: 5q14.3.
Variant type: single nucleotide variant.
Coding change: c.16810G>A on transcript NM_032119.4 (MANE Select); coding-DNA position 16810, G replaced by A.
Protein change: p.Gly5604Ser; replaces glycine 5604 with serine.
Molecular consequence: missense variant. On other transcripts: non-coding transcript variant (1).
Genome position (GRCh38, 1-based): chr5:90,840,776, G>A. VCF-style: chr5-90840776-G-A. GRCh37 (hg19) VCF-style: chr5-90136593-G-A.
Other names: c.16810G>A (NM_032119.3); short protein forms G5604S.
Identifiers: ClinVar variation 2147792 (VCV002147792.4), dbSNP rs767259157, ClinGen allele CA3342232.